The following is an entry in ClinVar:

NM_000245.4(MET):c.2465T>G (p.Met822Arg)

Gene: MET (MET proto-oncogene, receptor tyrosine kinase; plus strand). Cytogenetic location: 7q31.2.
Variant type: single nucleotide variant.
Coding change: c.2465T>G on transcript NM_000245.4 (MANE Select); coding-DNA position 2465, T replaced by G.
Protein change: p.Met822Arg; replaces methionine 822 with arginine.
Molecular consequence: missense variant.
Genome position (GRCh38, 1-based): chr7:116,763,150, T>G. VCF-style: chr7-116763150-T-G. GRCh37 (hg19) VCF-style: chr7-116403204-T-G.
Other names: c.2519T>G, p.Met840Arg (NM_001127500.3); c.2465T>G, p.Met822Arg (NM_001324401.3); c.1175T>G, p.Met392Arg (NM_001324402.2); short protein forms M822R, M840R, M392R.
Identifiers: ClinVar variation 3294312 (VCV003294312.1).

ClinVar aggregate classification (germline): Uncertain significance (1 of 4 stars; one submission).

Conditions:
Hereditary cancer-predisposing syndrome. Also called: Tumor predisposition; Hereditary Cancer Syndrome; Hereditary neoplastic syndrome; Neoplastic Syndromes, Hereditary. Identifiers: Orphanet 140162, MedGen C0027672, MeSH D009386, MONDO:0015356.

Submission:

Ambry Genetics
Classification: Uncertain significance for Hereditary cancer-predisposing syndrome. Last evaluated: 2024-03-29. Review status: criteria provided, single submitter. Criteria: Ambry Variant Classification Scheme 2023. Collection method: clinical testing. Allele origin: germline.
Comment: The p.M840R variant (also known as c.2519T>G), located in coding exon 10 of the MET gene, results from a T to G substitution at nucleotide position 2519. The methionine at codon 840 is replaced by arginine, an amino acid with similar properties. This amino acid position is poorly conserved in available vertebrate species. In addition, this alteration is predicted to be tolerated by in silico analysis. Based on the available evidence, the clinical significance of this alteration remains unclear.